The following is an entry in ClinVar:

NM_170699.3(GPBAR1):c.865G>A (p.Ala289Thr)

Gene: GPBAR1 (G protein-coupled bile acid receptor 1; plus strand). Cytogenetic location: 2q35.
Variant type: single nucleotide variant.
Coding change: c.865G>A on transcript NM_170699.3 (MANE Select); coding-DNA position 865, G replaced by A.
Protein change: p.Ala289Thr; replaces alanine 289 with threonine.
Molecular consequence: missense variant.
Genome position (GRCh38, 1-based): chr2:218,263,589, G>A. VCF-style: chr2-218263589-G-A. GRCh37 (hg19) VCF-style: chr2-219128312-G-A.
Other names: c.865G>A, p.Ala289Thr (NM_001077191.2, NM_001077194.2, NM_001321950.2); short protein forms A289T.
Identifiers: ClinVar variation 3356307 (VCV003356307.1).
Genomic context (GRCh38, chr2:218,263,589, plus strand): 5'-GGAAGTGCCAGTGCAGCGGCAGTGCCCGTAGCCATGGGGCTGGGCGATCAGCGCTACACA[G>A]CCCCCTGGAGGGCAGCCGCCCAAAGGTGCCTGCAGGGGCTGTGGGGAAGAGCCTCCCGGG-3'
Protein context (NP_733800.1, residues 279-299): AMGLGDQRYT[Ala289Thr]PWRAAAQRCL

ClinVar aggregate classification (germline): Uncertain significance (0 of 4 stars; one submission).

Conditions:
GPBAR1-related disorder. Also called: GPBAR1-related condition.

Submission:

PreventionGenetics, part of Exact Sciences
Classification: Uncertain significance for GPBAR1-related condition. Last evaluated: 2024-08-26. Review status: no assertion criteria provided. Collection method: clinical testing. Allele origin: germline.
Comment: The GPBAR1 c.865G>A variant is predicted to result in the amino acid substitution p.Ala289Thr. To our knowledge, this variant has not been reported in the literature or in a large population database, indicating this variant is rare. At this time, the clinical significance of this variant is uncertain due to the absence of conclusive functional and genetic evidence.